The following is an entry in ClinVar:

NM_014915.3(ANKRD26):c.2288T>G (p.Leu763Arg)

Gene: ANKRD26 (ankyrin repeat domain containing 26; minus strand). Cytogenetic location: 10p12.1.
Variant type: single nucleotide variant.
Coding change: c.2288T>G on transcript NM_014915.3 (MANE Select); coding-DNA position 2288, T replaced by G.
Protein change: p.Leu763Arg; replaces leucine 763 with arginine.
Molecular consequence: missense variant.
Genome position (GRCh38, 1-based): chr10:27,040,052, A>C on the plus strand (T>G on the coding strand, the complement: ANKRD26 is on the minus strand). VCF-style: chr10-27040052-A-C. GRCh37 (hg19) VCF-style: chr10-27328981-A-C.
Other names: c.2285T>G, p.Leu762Arg (NM_001256053.2); short protein forms L763R, L762R.
Identifiers: ClinVar variation 3396537 (VCV003396537.1).

ClinVar aggregate classification (germline): Uncertain significance (1 of 4 stars; one submission).

Conditions:
Inborn genetic diseases. Identifiers: MedGen C0950123, MeSH D030342.

gnomAD v4.1: 1 of 1,613,652 alleles (0.000062%); highest among the groups gnomAD compares: Non-Finnish European, 0.000085%; no homozygotes.

Submission:

Ambry Genetics
Classification: Uncertain significance for Inborn genetic diseases. Last evaluated: 2024-11-18. Review status: criteria provided, single submitter. Criteria: Ambry Variant Classification Scheme 2023. Collection method: clinical testing. Allele origin: germline.
Comment: The p.L763R variant (also known as c.2288T>G), located in coding exon 21 of the ANKRD26 gene, results from a T to G substitution at nucleotide position 2288. The leucine at codon 763 is replaced by arginine, an amino acid with dissimilar properties. This amino acid position is conserved. In addition, this alteration is predicted to be tolerated by in silico analysis. Based on the available evidence, the clinical significance of this variant remains unclear.